The following is an entry in ClinVar:

ClinVar aggregate classification (germline): Uncertain significance (1 of 4 stars; one submission).

Conditions:
Hypertrophic cardiomyopathy. Also called: HYPERTROPHIC MYOCARDIOPATHY. Identifiers: Orphanet 217569, MedGen C0007194, MeSH D002312, MONDO:0005045, HP:0001639.

Submission:

Labcorp Genetics (formerly Invitae), Labcorp
Classification: Uncertain significance for Hypertrophic cardiomyopathy. Last evaluated: 2025-08-01. Review status: criteria provided, single submitter. Criteria: Invitae Variant Classification Sherloc (09022015). Collection method: clinical testing. Allele origin: germline.
Comment: This sequence change replaces histidine, which is basic and polar, with aspartic acid, which is acidic and polar, at codon 1419 of the MYH7 protein (p.His1419Asp). This variant is not present in population databases (gnomAD no frequency). This variant has not been reported in the literature in individuals affected with MYH7-related conditions. ClinVar contains an entry for this variant (Variation ID: 3708790). Invitae Evidence Modeling of protein sequence and biophysical properties (such as structural, functional, and spatial information, amino acid conservation, physicochemical variation, residue mobility, and thermodynamic stability) indicates that this missense variant is expected to disrupt MYH7 protein function with a positive predictive value of 95%. In summary, the available evidence is currently insufficient to determine the role of this variant in disease. Therefore, it has been classified as a Variant of Uncertain Significance.

NM_000257.4(MYH7):c.4255C>G (p.His1419Asp)

Gene: MYH7 (myosin heavy chain 7; minus strand). Cytogenetic location: 14q11.2.
Variant type: single nucleotide variant.
Coding change: c.4255C>G on transcript NM_000257.4 (MANE Select); coding-DNA position 4255, C replaced by G.
Protein change: p.His1419Asp; replaces histidine 1419 with aspartic acid.
Molecular consequence: missense variant.
Genome position (GRCh38, 1-based): chr14:23,417,601, G>C on the plus strand (C>G on the coding strand, the complement: MYH7 is on the minus strand). VCF-style: chr14-23417601-G-C. GRCh37 (hg19) VCF-style: chr14-23886810-G-C.
Other names: c.4255C>G, p.His1419Asp (NM_001407004.1); short protein forms H1419D.
Identifiers: ClinVar variation 3708790 (VCV003708790.2).